The following is an entry in ClinVar:

ClinVar aggregate classification (germline): Pathogenic (1 of 4 stars; one submission).

Conditions:
Medium-chain acyl-coenzyme A dehydrogenase deficiency (ACADMD). Also called: MCADH DEFICIENCY; Medium chain acyl-CoA dehydrogenase deficiency; MCAD Deficiency; ACADM DEFICIENCY; MCADD; CARNITINE DEFICIENCY SECONDARY TO MEDIUM-CHAIN ACYL-CoA DEHYDROGENASE DEFICIENCY. Identifiers: Orphanet 42, MedGen C0220710, MONDO:0008721, OMIM 201450.

Submission:

Labcorp Genetics (formerly Invitae), Labcorp
Classification: Pathogenic for Medium-chain acyl-coenzyme A dehydrogenase deficiency. Last evaluated: 2021-05-20. Review status: criteria provided, single submitter. Criteria: Invitae Variant Classification Sherloc (09022015). Collection method: clinical testing. Allele origin: germline.
Comment: For these reasons, this variant has been classified as Pathogenic. This variant has not been reported in the literature in individuals with ACADM-related conditions. This variant is not present in population databases (ExAC no frequency). This sequence change creates a premature translational stop signal (p.Lys173Argfs*20) in the ACADM gene. It is expected to result in an absent or disrupted protein product. Loss-of-function variants in ACADM are known to be pathogenic (PMID: 16121256, 20434380).

Literature cited by the submitters: PubMed 16121256; PubMed 20434380.

NM_000016.6(ACADM):c.518del (p.Lys173fs)

Gene: ACADM (acyl-CoA dehydrogenase medium chain; plus strand). Cytogenetic location: 1p31.1.
Variant type: Deletion.
Coding change: c.518del on transcript NM_000016.6 (MANE Select); coding-DNA position 518, one base deleted (A; older notation c.518delA).
Protein change: p.Lys173fs; shifts the reading frame from lysine 173.
Molecular consequence: frameshift variant. On other transcripts: 5 prime UTR variant (1).
Genome position (GRCh38, 1-based): chr1:75,740,029, A deleted; the last of 3 consecutive A bases (chr1:75,740,027-75,740,029); deleting any one gives the same sequence. VCF-style (leftmost placement, unchanged base first): chr1-75740026-TA-T. GRCh37 (hg19) VCF-style: chr1-76205711-TA-T.
Other names: c.530del, p.Lys177fs (NM_001127328.3); c.410del, p.Lys137fs (NM_001286042.2); c.617del, p.Lys206fs (NM_001286043.2); c.-50del (NM_001286044.2); short protein forms K173fs, K137fs, K177fs, K206fs.
Identifiers: ClinVar variation 1454534 (VCV001454534.6), dbSNP rs2100389603, ClinGen allele CA2573132614.